The following is an entry in ClinVar:

ClinVar aggregate classification (germline): Uncertain significance (1 of 4 stars; one submission).

Conditions:
Multiple endocrine neoplasia type 4. Also called: MULTIPLE ENDOCRINE NEOPLASIA, TYPE IV. Identifiers: Orphanet 276152, MedGen C1970712, MONDO:0012552, OMIM 610755.

Submission:

Labcorp Genetics (formerly Invitae), Labcorp
Classification: Uncertain significance for Multiple endocrine neoplasia type 4. Last evaluated: 2023-12-12. Review status: criteria provided, single submitter. Criteria: Invitae Variant Classification Sherloc (09022015). Collection method: clinical testing. Allele origin: germline.
Comment: This sequence change replaces lysine, which is basic and polar, with methionine, which is neutral and non-polar, at codon 134 of the CDKN1B protein (p.Lys134Met). This variant is not present in population databases (gnomAD no frequency). This variant has not been reported in the literature in individuals affected with CDKN1B-related conditions. Algorithms developed to predict the effect of missense changes on protein structure and function output the following: SIFT: "Not Available"; PolyPhen-2: "Benign"; Align-GVGD: "Not Available". The methionine amino acid residue is found in multiple mammalian species, which suggests that this missense change does not adversely affect protein function. In summary, the available evidence is currently insufficient to determine the role of this variant in disease. Therefore, it has been classified as a Variant of Uncertain Significance.

NM_004064.5(CDKN1B):c.401A>T (p.Lys134Met)

Gene: CDKN1B (cyclin dependent kinase inhibitor 1B; plus strand). Cytogenetic location: 12p13.1.
Variant type: single nucleotide variant.
Coding change: c.401A>T on transcript NM_004064.5 (MANE Select); coding-DNA position 401, A replaced by T.
Protein change: p.Lys134Met; replaces lysine 134 with methionine.
Molecular consequence: missense variant.
Genome position (GRCh38, 1-based): chr12:12,718,240, A>T. VCF-style: chr12-12718240-A-T. GRCh37 (hg19) VCF-style: chr12-12871174-A-T.
Other names: short protein forms K134M.
Identifiers: ClinVar variation 2702393 (VCV002702393.3), dbSNP rs2136356439, ClinGen allele CA383970615.